The following is an entry in ClinVar:

NM_006015.6(ARID1A):c.216G>C (p.Glu72Asp)

Gene: ARID1A (AT-rich interaction domain 1A; plus strand). Cytogenetic location: 1p36.11.
Variant type: single nucleotide variant.
Coding change: c.216G>C on transcript NM_006015.6 (MANE Select); coding-DNA position 216, G replaced by C.
Protein change: p.Glu72Asp; replaces glutamic acid 72 with aspartic acid.
Molecular consequence: missense variant.
Genome position (GRCh38, 1-based): chr1:26,696,619, G>C. VCF-style: chr1-26696619-G-C. GRCh37 (hg19) VCF-style: chr1-27023110-G-C.
Other names: c.216G>C, p.Glu72Asp (NM_139135.4); short protein forms E72D.
Identifiers: ClinVar variation 3383792 (VCV003383792.1).

ClinVar aggregate classification (germline): Uncertain significance (1 of 4 stars; one submission).

gnomAD v4.1: 1 of 1,254,936 alleles (0.00008%); no homozygotes.

Submission:

GeneDx
Classification: Uncertain significance. Last evaluated: 2024-05-30. Review status: criteria provided, single submitter. Criteria: GeneDx Variant Classification Process June 2021. Collection method: clinical testing. Allele origin: germline. Affected: yes.
Comment: Not observed at significant frequency in large population cohorts (gnomAD); In silico analysis indicates that this missense variant does not alter protein structure/function; Has not been previously published as pathogenic or benign to our knowledge